The following is an entry in ClinVar:

ClinVar aggregate classification (germline): Uncertain significance (1 of 4 stars; one submission).

Submission:

Ambry Genetics
Classification: Uncertain significance. Last evaluated: 2024-06-07. Review status: criteria provided, single submitter. Criteria: Ambry Variant Classification Scheme 2023. Collection method: clinical testing. Allele origin: germline.
Comment: The p.T186S variant (also known as c.556A>T), located in coding exon 3 of the MNDA gene, results from an A to T substitution at nucleotide position 556. The threonine at codon 186 is replaced by serine, an amino acid with similar properties. This amino acid position is conserved. In addition, this alteration is predicted to be tolerated by in silico analysis. Based on the available evidence, the clinical significance of this variant remains unclear.

NM_002432.3(MNDA):c.556A>T (p.Thr186Ser)

Gene: MNDA (myeloid cell nuclear differentiation antigen; plus strand). Cytogenetic location: 1q23.1.
Variant type: single nucleotide variant.
Coding change: c.556A>T on transcript NM_002432.3 (MANE Select); coding-DNA position 556, A replaced by T.
Protein change: p.Thr186Ser; replaces threonine 186 with serine.
Molecular consequence: missense variant.
Genome position (GRCh38, 1-based): chr1:158,844,108, A>T. VCF-style: chr1-158844108-A-T. GRCh37 (hg19) VCF-style: chr1-158813898-A-T.
Other names: short protein forms T186S.
Identifiers: ClinVar variation 3295454 (VCV003295454.1).
Genomic context (GRCh38, chr1:158,844,108, plus strand): 5'-ACATCTGCAGCTGTGGATCATCCCCCACTACCCCAGACCTCATCATCAACTCCATCCAAC[A>T]CTTCGTTTACTCCGGTACACTCTTCCTGGTCCTCTTCTCCATTTTTTTTTAACCCAGTCA-3'
Protein context (NP_002423.1, residues 176-196): PQTSSSTPSN[Thr186Ser]SFTPNQETQA